The following is an entry in ClinVar:

NM_003476.5(CSRP3):c.10_11del (p.Trp4fs)

Gene: CSRP3 (cysteine and glycine rich protein 3; minus strand). Cytogenetic location: 11p15.1.
Variant type: Deletion.
Coding change: c.10_11del on transcript NM_003476.5 (MANE Select); coding-DNA positions 10 to 11, 2 bases deleted (TG; older notation c.10_11delTG).
Protein change: p.Trp4fs; shifts the reading frame from tryptophan 4.
Molecular consequence: frameshift variant.
Genome position (GRCh38, 1-based): chr11:19,192,438-19,192,439, CA deleted on the plus strand (TG on the coding strand, the reverse complement: CSRP3 is on the minus strand). VCF-style (leftmost placement, unchanged base first): chr11-19192437-CCA-C. GRCh37 (hg19) VCF-style: chr11-19213984-CCA-C.
Other names: c.10_11del (LRG_440t1); c.10_11del, p.Trp4fs (NM_001369404.1); short protein forms W4fs.
Identifiers: ClinVar variation 520373 (VCV000520373.9), dbSNP rs1554968150, ClinGen allele CA658797601.

ClinVar aggregate classification (germline): Conflicting classifications of pathogenicity. Review status: criteria provided, conflicting classifications (1 of 4 stars). 4 submissions from 4 submitters: Pathogenic (1); Likely pathogenic (1); Uncertain significance (2). Last evaluated 2025-08-18.

Conditions:
Cardiovascular phenotype. Identifiers: MedGen CN230736.
Hypertrophic cardiomyopathy 12. Identifiers: MedGen C2677491, MONDO:0012804, OMIM 612124.
Dilated cardiomyopathy 1M (CMD1M). Identifiers: Orphanet 154, MedGen C1843808, MONDO:0011840, OMIM 607482.
Cardiomyopathy (CMYO). Also called: Cardiomyopathies. Identifiers: Orphanet 167848, MedGen C0878544, MONDO:0004994, HP:0001638. Inheritance: Various modes of inheritance.

Submissions (4):

Labcorp Genetics (formerly Invitae), Labcorp
Classification: Pathogenic for Hypertrophic cardiomyopathy 12; Dilated cardiomyopathy 1M. Last evaluated: 2025-08-18. Review status: criteria provided, single submitter. Criteria: Invitae Variant Classification Sherloc (09022015). Collection method: clinical testing. Allele origin: germline.
Comment: This sequence change creates a premature translational stop signal (p.Trp4Glyfs*10) in the CSRP3 gene. It is expected to result in an absent or disrupted protein product. Loss-of-function variants in CSRP3 are known to be pathogenic (PMID: 12642359, 14567970, 16352453, 20087448, 34558151). This variant is not present in population databases (gnomAD no frequency). This variant has not been reported in the literature in individuals affected with CSRP3-related conditions. ClinVar contains an entry for this variant (Variation ID: 520373). For these reasons, this variant has been classified as Pathogenic.

Institute of Immunology and Genetics Kaiserslautern
Classification: Likely pathogenic for Hypertrophic cardiomyopathy 12. Last evaluated: 2024-10-15. Review status: criteria provided, single submitter. Criteria: ACMG Guidelines, 2015. Collection method: clinical testing. Allele origin: germline. Affected: yes.
Comment: ACMG Criteria: PM2, PVS1; Variant was found in heterozygous state

CHEO Genetics Diagnostic Laboratory, Children's Hospital of Eastern Ontario
Classification: Uncertain significance for Cardiomyopathy. Last evaluated: 2021-02-01. Review status: criteria provided, single submitter. Criteria: ACMG Guidelines, 2015. Collection method: clinical testing. Allele origin: germline.

Ambry Genetics
Classification: Uncertain significance for Cardiovascular phenotype. Last evaluated: 2017-09-18. Review status: criteria provided, single submitter. Criteria: Ambry Variant Classification Scheme 2023. Collection method: clinical testing. Allele origin: germline.
Comment: The c.10_11delTG variant, located in coding exon 1 of the CSRP3 gene, results from a deletion of two nucleotides at nucleotide positions 10 to 11, causing a translational frameshift with a predicted alternate stop codon (p.W4Gfs*10). This alteration is expected to result in loss of function by premature protein truncation or nonsense-mediated mRNA decay. However, loss of function of CSRP3 has not been clearly established as a mechanism of disease. Since supporting evidence is limited at this time, the clinical significance of this alteration remains unclear.

Literature cited by the submitters: PubMed 12642359 (cited by Labcorp Genetics (formerly Invitae), Labcorp); PubMed 14567970 (cited by Labcorp Genetics (formerly Invitae), Labcorp); PubMed 16352453 (cited by Labcorp Genetics (formerly Invitae), Labcorp); PubMed 20087448 (cited by Labcorp Genetics (formerly Invitae), Labcorp); PubMed 34558151 (cited by Labcorp Genetics (formerly Invitae), Labcorp).